The following is an entry in ClinVar:

NM_005188.4(CBL):c.2528G>A (p.Gly843Asp)

Gene: CBL (Cbl proto-oncogene; plus strand). Cytogenetic location: 11q23.3.
Variant type: single nucleotide variant.
Coding change: c.2528G>A on transcript NM_005188.4 (MANE Select); coding-DNA position 2528, G replaced by A.
Protein change: p.Gly843Asp; replaces glycine 843 with aspartic acid.
Molecular consequence: missense variant.
Genome position (GRCh38, 1-based): chr11:119,299,588, G>A. VCF-style: chr11-119299588-G-A. GRCh37 (hg19) VCF-style: chr11-119170298-G-A.
Other names: short protein forms G843D.
Identifiers: ClinVar variation 4868204 (VCV004868204.1).
Genomic context (GRCh38, chr11:119,299,588, plus strand): 5'-CTCCAAAACCATTCCCGCGGAGAATCAACTCTGAACGGAAAGCTGGCAGCTGTCAGCAAG[G>A]TAGTGGTCCTGCCGCCTCTGCTGCCACCGCCTCACCTCAGCTCTCCAGTGAGATCGAGAA-3'
Protein context (NP_005179.2, residues 833-853): SERKAGSCQQ[Gly843Asp]SGPAASAATA

ClinVar aggregate classification (germline): Uncertain significance (1 of 4 stars; one submission).

Conditions:
Cardiovascular phenotype. Identifiers: MedGen CN230736.

Submission:

Ambry Genetics
Classification: Uncertain significance for Cardiovascular phenotype. Last evaluated: 2026-03-22. Review status: criteria provided, single submitter. Criteria: Ambry Variant Classification Scheme 2023. Collection method: clinical testing. Allele origin: germline.
Comment: The p.G843D variant (also known as c.2528G>A), located in coding exon 16 of the CBL gene, results from a G to A substitution at nucleotide position 2528. The glycine at codon 843 is replaced by aspartic acid, an amino acid with similar properties. This amino acid position is conserved. In addition, this alteration is predicted to be tolerated by in silico analysis. Based on the available evidence, the clinical significance of this variant remains unclear.